The following is an entry in ClinVar:

NM_016312.3(WBP11):c.734ATG[3] (p.Asp248del)

Gene: WBP11 (WW domain binding protein 11; minus strand). Cytogenetic location: 12p12.3.
Variant type: Microsatellite.
Coding change: c.734ATG[3] on transcript NM_016312.3 (MANE Select); three copies in a row of the 3-base unit ATG starting at c.734; the reference has four copies in a row; one copy, 3 bases deleted; also written c.743_745del.
Protein change: p.Asp248del; deletes aspartic acid 248.
Molecular consequence: inframe deletion.
Genome position (GRCh38, 1-based): chr12:14,793,899-14,793,901, CAT deleted on the plus strand (ATG on the coding strand, the reverse complement: WBP11 is on the minus strand); deleting any 3 consecutive bases within chr12:14,793,899-14,793,910 gives the same sequence; the position shown is the placement nearest the transcript's 3' end. VCF-style (leftmost placement, unchanged base first): chr12-14793898-ACAT-A. GRCh37 (hg19) VCF-style: chr12-14946832-ACAT-A.
Other names: c.743_745del (NM_016312.3); short protein forms D248del.
Identifiers: ClinVar variation 3251108 (VCV003251108.20), dbSNP rs1342392366.
Genomic context (GRCh38, chr12:14,793,898, plus strand): 5'-TCATCATGCTTATCTTGATCCATGTCCTCAGGATAGCCATCATCTTCACTGGTGCTAGAA[ACAT>A]CATCATCATGACCTCGCTGGGCTGAAAAGTGGGAAGGGAACATGGAGAAGTAGTATGATT-3'

ClinVar aggregate classification (germline): Uncertain significance. Review status: criteria provided, multiple submitters, no conflicts (2 of 4 stars). 2 submissions from 2 submitters: Uncertain significance (2). Last evaluated 2024-06-01.

Conditions:
Vertebral, cardiac, tracheoesophageal, renal, and limb defects. Also called: VCTERL SYNDROME. Identifiers: MedGen C5543189, MONDO:0030987, OMIM 619227.

Submissions (2):

CeGaT Center for Human Genetics Tuebingen
Classification: Uncertain significance. Last evaluated: 2024-06-01. Review status: criteria provided, single submitter. Criteria: CeGaT Center For Human Genetics Tuebingen Variant Classification Criteria Version 2. Collection method: clinical testing. Allele origin: germline. Affected: yes. Observed: 1 variant allele.
Comment: WBP11: PM4:Supporting, BP5

Juno Genomics, Hangzhou Juno Genomics, Inc
Classification: Uncertain significance for Vertebral, cardiac, tracheoesophageal, renal, and limb defects. Review status: criteria provided, single submitter. Criteria: ACMG Guidelines, 2015. Collection method: clinical testing. Allele origin: germline. Affected: yes.
Comment: Absent from controls (or at extremely low frequency if recessive) in Genome Aggregation Database, Exome Sequencing Project, 1000 Genomes Project, or Exome Aggregation Consortium.;Protein length changes due to in-frame deletions/insertions in a non-repeat region or stop-loss variants.